The following is an entry in ClinVar:

ClinVar aggregate classification (germline): Benign/Likely benign. Review status: criteria provided, multiple submitters, no conflicts (2 of 4 stars). 5 submissions from 5 submitters: Benign (1); Likely benign (3). 1 of the submissions does not count toward it. Last evaluated 2025-10-11.

Conditions:
TG-related disorder. Also called: TG-related disorders; TG-related condition.
Iodotyrosyl coupling defect (TDH3). Also called: THYROID HORMONOGENESIS, GENETIC DEFECT IN, 3; HYPOTHYROIDISM, CONGENITAL, DUE TO DYSHORMONOGENESIS, 3. Identifiers: Orphanet 95716, MedGen C0342194, MONDO:0010135, OMIM 274700.

Allele frequency attached by ClinVar (database versions not stated): TOPMed 0.00128; 1000 Genomes Project 30x 0.00187; 1000 Genomes Project 0.00240.
gnomAD v4.1: 1,294 of 1,614,146 alleles (0.08%); highest among the groups gnomAD compares: East Asian, 2.7%; 24 homozygotes.

Submissions (5):

Labcorp Genetics (formerly Invitae), Labcorp
Classification: Benign. Last evaluated: 2025-10-11. Review status: criteria provided, single submitter. Criteria: Invitae Variant Classification Sherloc (09022015). Collection method: clinical testing. Allele origin: germline.

Women's Health and Genetics/Laboratory Corporation of America, LabCorp
Classification: Likely benign. Last evaluated: 2025-04-02. Review status: criteria provided, single submitter. Criteria: LabCorp Variant Classification Summary - May 2015. Collection method: clinical testing. Allele origin: germline.
Comment: Variant summary: TG c.7847A>T (p.Asn2616Ile) results in a non-conservative amino acid change in the encoded protein sequence. Three of five in-silico tools predict a benign effect of the variant on protein function. The variant allele was found at a frequency of 0.0015 in 251474 control chromosomes, predominantly at a frequency of 0.019 within the East Asian subpopulation in the gnomAD database, including 6 homozygotes. The observed variant frequency within East Asian control individuals in the gnomAD database exceeds the estimated maximal expected allele frequency for a pathogenic variant in TG causing TG-Related Disorders phenotype. c.7847A>T has been reported in the literature in individuals affected with TG-Related Disorders (examples: Hu_2016, Long_2018, Wang_2020). These report(s) do not provide unequivocal conclusions about association of the variant with TG-Related Disorders. To our knowledge, no experimental evidence demonstrating an impact on protein function has been reported. The following publications have been ascertained in the context of this evaluation (PMID: 32425884, 30022773, 26777470). ClinVar contains an entry for this variant (Variation ID: 786744). Based on the evidence outlined above, the variant was classified as likely benign.

Illumina Laboratory Services, Illumina
Classification: Likely benign for Iodotyrosyl coupling defect. Last evaluated: 2017-04-27. Review status: criteria provided, single submitter. Criteria: ICSL Variant Classification Criteria 13 December 2019. Collection method: clinical testing. Allele origin: germline.
Comment: This variant was observed as part of a predisposition screen in an ostensibly healthy population. A literature search was performed for the gene, cDNA change, and amino acid change (where applicable). Publications were found based on this search. The evidence from the literature, in combination with allele frequency data from public databases where available, was sufficient to determine this variant is unlikely to cause disease. Therefore, this variant is classified as likely benign.

Breakthrough Genomics
Classification: Likely benign. Review status: criteria provided, single submitter. Criteria: ACMG Guidelines, 2015. Collection method: not provided. Allele origin: germline. Inheritance: Autosomal recessive inheritance. Affected: yes.

PreventionGenetics, part of Exact Sciences
Classification: Benign for TG-related condition. Last evaluated: 2019-06-14. Review status: no assertion criteria provided. Collection method: clinical testing. Allele origin: germline. Not counted in ClinVar's aggregate classification.
Comment: This variant is classified as benign based on ACMG/AMP sequence variant interpretation guidelines (Richards et al. 2015 PMID: 25741868, with internal and published modifications).

Literature cited by the submitters: PubMed 32425884 (cited by Women's Health and Genetics/Laboratory Corporation of America, LabCorp); PubMed 30022773 (cited by Women's Health and Genetics/Laboratory Corporation of America, LabCorp); PubMed 26777470 (cited by Women's Health and Genetics/Laboratory Corporation of America, LabCorp and Illumina Laboratory Services, Illumina); PubMed 23535966 (cited by Illumina Laboratory Services, Illumina); PubMed 23933148 (cited by Illumina Laboratory Services, Illumina).

NM_003235.5(TG):c.7847A>T (p.Asn2616Ile)

Gene: TG (thyroglobulin; plus strand). Cytogenetic location: 8q24.22.
Variant type: single nucleotide variant.
Coding change: c.7847A>T on transcript NM_003235.5 (MANE Select); coding-DNA position 7847, A replaced by T.
Protein change: p.Asn2616Ile; replaces asparagine 2616 with isoleucine.
Molecular consequence: missense variant.
Genome position (GRCh38, 1-based): chr8:133,116,701, A>T. VCF-style: chr8-133116701-A-T. GRCh37 (hg19) VCF-style: chr8-134128945-A-T.
Other names: short protein forms N2616I.
Identifiers: ClinVar variation 786744 (VCV000786744.16), dbSNP rs10091530, ClinGen allele CA4885807.